The following is an entry in ClinVar:

NM_024795.4(TM4SF20):c.500C>T (p.Ala167Val)

Gene: TM4SF20 (transmembrane 4 L six family member 20; minus strand). Cytogenetic location: 2q36.3.
Variant type: single nucleotide variant.
Coding change: c.500C>T on transcript NM_024795.4 (MANE Select); coding-DNA position 500, C replaced by T.
Protein change: p.Ala167Val; replaces alanine 167 with valine.
Molecular consequence: missense variant.
Genome position (GRCh38, 1-based): chr2:227,363,914, G>A on the plus strand (C>T on the coding strand, the complement: TM4SF20 is on the minus strand). VCF-style: chr2-227363914-G-A. GRCh37 (hg19) VCF-style: chr2-228228630-G-A.
Other names: short protein forms A167V.
Identifiers: ClinVar variation 4762266 (VCV004762266.1).

ClinVar aggregate classification (germline): Uncertain significance (1 of 4 stars; one submission).

Submission:

Labcorp Genetics (formerly Invitae), Labcorp
Classification: Uncertain significance. Last evaluated: 2025-10-18. Review status: criteria provided, single submitter. Criteria: Invitae Variant Classification Sherloc (09022015). Collection method: clinical testing. Allele origin: germline.
Comment: This sequence change replaces alanine, which is neutral and non-polar, with valine, which is neutral and non-polar, at codon 167 of the TM4SF20 protein (p.Ala167Val). This variant is not present in population databases (gnomAD no frequency). This variant has not been reported in the literature in individuals affected with TM4SF20-related conditions. An algorithm developed to predict the effect of missense changes on protein structure and function outputs the following: PolyPhen-2: "Benign". The valine amino acid residue is found in multiple mammalian species, which suggests that this missense change does not adversely affect protein function. Algorithms developed to predict the effect of sequence changes on RNA splicing suggest that this variant may create or strengthen a splice site. In summary, the available evidence is currently insufficient to determine the role of this variant in disease. Therefore, it has been classified as a Variant of Uncertain Significance.